The following is an entry in ClinVar:

ClinVar aggregate classification (germline): Likely benign (1 of 4 stars; one submission).

Allele frequency attached by ClinVar (database versions not stated): gnomAD 0.00001; 1000 Genomes Project 30x 0.00016; 1000 Genomes Project 0.00040.

Submission:

Laboratory for Molecular Medicine, Mass General Brigham Personalized Medicine
Classification: Likely benign. Last evaluated: 2017-03-20. Review status: criteria provided, single submitter. Criteria: LMM Criteria. Collection method: clinical testing. Allele origin: germline. Observed: 1 variant allele.
Comment: c.457+9G>A in intron 4 of P2RX2: This variant is not expected to have clinical s ignificance because it is not located within the conserved splice consensus sequ ence. It has been identified in 0.5% (1/198) of European chromosomes and 0.5% (1 /210) of Southern Han Chinese chromosomes by the 1000 Genomes Project (w.; dbSNP rs200457240).

NM_170682.4(P2RX2):c.457+9G>A

Gene: P2RX2 (purinergic receptor P2X 2; plus strand). Cytogenetic location: 12q24.33.
Variant type: single nucleotide variant.
Coding change: c.457+9G>A on transcript NM_170682.4 (MANE Select); 9 bases into the intron after coding-DNA position 457, G replaced by A.
Molecular consequence: intron variant.
Genome position (GRCh38, 1-based): chr12:132,619,928, G>A. VCF-style: chr12-132619928-G-A. GRCh37 (hg19) VCF-style: chr12-133196514-G-A.
Other names: c.457+9G>A (NM_001282165.2, NM_170683.4, NM_174873.3); c.385+9G>A (NM_016318.4, NM_001282164.2); c.242-72G>A (NM_012226.5); c.181+9G>A (NM_174872.3).
Identifiers: ClinVar variation 504800 (VCV000504800.5), dbSNP rs200457240, ClinGen allele CA246278298.
Genomic context (GRCh38, chr12:132,619,928, plus strand): 5'-TGCCTCTCCGACGCCGACTGCGTGGCTGGGGAGCTGGACATGCTGGGAAACGGTCGGTGT[G>A]CGCCAGCTGGGGCTGGGCGGGTGGGGCAGGGCTGCGTCCCCGCTAATGCCTCAGTGACCT-3'